The following is an entry in ClinVar:

ClinVar aggregate classification (germline): Uncertain significance (1 of 4 stars; one submission).

Allele frequency attached by ClinVar (database versions not stated): gnomAD exomes below 0.00001.
gnomAD v4.1: 1 of 1,613,518 alleles (0.000062%); highest among the groups gnomAD compares: Non-Finnish European, 0.000085%; no homozygotes.

Submission:

Labcorp Genetics (formerly Invitae), Labcorp
Classification: Uncertain significance. Last evaluated: 2022-11-24. Review status: criteria provided, single submitter. Criteria: Invitae Variant Classification Sherloc (09022015). Collection method: clinical testing. Allele origin: germline.
Comment: In summary, the available evidence is currently insufficient to determine the role of this variant in disease. Therefore, it has been classified as a Variant of Uncertain Significance. Algorithms developed to predict the effect of missense changes on protein structure and function (SIFT, PolyPhen-2, Align-GVGD) all suggest that this variant is likely to be tolerated. This variant has not been reported in the literature in individuals affected with KMT2A-related conditions. This variant is not present in population databases (gnomAD no frequency). This sequence change replaces glutamic acid, which is acidic and polar, with alanine, which is neutral and non-polar, at codon 243 of the KMT2A protein (p.Glu243Ala).

NM_001197104.2(KMT2A):c.728A>C (p.Glu243Ala)

Gene: KMT2A (lysine methyltransferase 2A; plus strand). Cytogenetic location: 11q23.3.
Variant type: single nucleotide variant.
Coding change: c.728A>C on transcript NM_001197104.2 (MANE Select); coding-DNA position 728, A replaced by C.
Protein change: p.Glu243Ala; replaces glutamic acid 243 with alanine.
Molecular consequence: missense variant.
Genome position (GRCh38, 1-based): chr11:118,471,887, A>C. VCF-style: chr11-118471887-A-C. GRCh37 (hg19) VCF-style: chr11-118342602-A-C.
Other names: c.827A>C, p.Glu276Ala (NM_001412597.1); c.728A>C, p.Glu243Ala (NM_005933.4); short protein forms E276A, E243A.
Identifiers: ClinVar variation 2816532 (VCV002816532.3), dbSNP rs2496792656, ClinGen allele CA382807615.